The following is an entry in ClinVar:

NM_001002294.3(FMO3):c.841G>T (p.Glu281Ter)

Gene: FMO3 (flavin containing dimethylaniline monoxygenase 3; plus strand). Cytogenetic location: 1q24.3.
Variant type: single nucleotide variant.
Coding change: c.841G>T on transcript NM_001002294.3 (MANE Select); coding-DNA position 841, G replaced by T.
Protein change: p.Glu281Ter; replaces glutamic acid 281 with a stop codon.
Molecular consequence: nonsense.
Genome position (GRCh38, 1-based): chr1:171,114,020, G>T. VCF-style: chr1-171114020-G-T. GRCh37 (hg19) VCF-style: chr1-171083160-G-T.
Other names: c.781G>T, p.Glu261Ter (NM_001319173.2); c.652G>T, p.Glu218Ter (NM_001319174.2); c.841G>T, p.Glu281Ter (NM_006894.6); short protein forms E261*, E218*, E281*.
Identifiers: ClinVar variation 3574006 (VCV003574006.2).

ClinVar aggregate classification (germline): Pathogenic/Likely pathogenic. Review status: criteria provided, multiple submitters, no conflicts (2 of 4 stars). 2 submissions from 2 submitters: Pathogenic (1); Likely pathogenic (1). Last evaluated 2025-04-24.

Conditions:
Trimethylaminuria (TMAU). Also called: Primary Trimethylaminuria; Fish malodor syndrome; Stale fish syndrome; TMAuria; FISH-ODOR SYNDROME. Identifiers: MedGen C0342739, MONDO:0011182, OMIM 602079, HP:0003614. Disease mechanism: loss of function.

gnomAD v4.1: 3 of 1,607,262 alleles (0.00019%); highest among the groups gnomAD compares: African/African-American, 0.0013%; no homozygotes.

Submissions (2):

Myriad Genetics, Inc.
Classification: Pathogenic for Trimethylaminuria. Last evaluated: 2025-04-24. Review status: criteria provided, single submitter. Criteria: Myriad Autosomal Dominant, Autosomal Recessive and X-Linked Classification Criteria (2023). Collection method: clinical testing. Allele origin: unknown.
Comment: NM_001002294.2(FMO3):c.841G>T(E281*) is expected to be pathogenic in the context of primary trimethylaminuria. This variant is predicted to lead to an abnormal or absent protein product due to the creation of a premature termination codon in FMO3, a gene where loss-of-function variants are known to be pathogenic. Please note: this variant was assessed in the context of healthy population screening.

Fulgent Genetics
Classification: Likely pathogenic for Trimethylaminuria. Last evaluated: 2024-03-01. Review status: criteria provided, single submitter. Criteria: ACMG Guidelines, 2015. Collection method: clinical testing. Allele origin: germline.